The following is an entry in ClinVar:

NM_001165963.4(SCN1A):c.377T>A (p.Val126Glu)

Gene: SCN1A (sodium voltage-gated channel alpha subunit 1; minus strand). Cytogenetic location: 2q24.3.
Variant type: single nucleotide variant.
Coding change: c.377T>A on transcript NM_001165963.4 (MANE Select); coding-DNA position 377, T replaced by A.
Protein change: p.Val126Glu; replaces valine 126 with glutamic acid.
Molecular consequence: missense variant. On other transcripts: 5 prime UTR variant (1), non-coding transcript variant (1).
Genome position (GRCh38, 1-based): chr2:166,058,576, A>T on the plus strand (T>A on the coding strand, the complement: SCN1A is on the minus strand). VCF-style: chr2-166058576-A-T. GRCh37 (hg19) VCF-style: chr2-166915086-A-T.
Other names: c.377T>A, p.Val126Glu (NM_001165964.3, NM_001202435.3, NM_001353948.2 and 10 more transcripts); c.-2049T>A (NM_001353961.2); short protein forms V126E.
Identifiers: ClinVar variation 2630549 (VCV002630549.5), dbSNP rs1699350522, ClinGen allele CA349076770.
Genomic context (GRCh38, chr2:166,058,576, plus strand): 5'-AGTGCTTACAGATCATGTACAAATAGTTAATATTAATCACTTGAAAAAGGATATGAATGT[A>T]CCAAAATCTTAATAGCTATTTTCCTAAGAGGATTGAAGGGAGTTAAAATGTACAGGGCAG-3'
Protein context (NP_001159435.1, residues 116-136): PLRKIAIKIL[Val126Glu]HSLFSMLIMC

ClinVar aggregate classification (germline): Uncertain significance. Review status: criteria provided, single submitter (1 of 4 stars). 2 submissions from 2 submitters: Uncertain significance (1). 1 of the submissions does not count toward it. Last evaluated 2023-01-12.

Conditions:
SCN1A-related disorder. Also called: SCN1A-related disorders; SCN1A-related conditions; SCN1A-related condition.
Early-infantile DEE. Also called: Early infantile epileptic encephalopathy; Early infantile epileptic encephalopathy with suppression bursts; Ohtahara syndrome. Identifiers: Orphanet 1934, MedGen C0393706, MONDO:0800491.

Submissions (2):

Labcorp Genetics (formerly Invitae), Labcorp
Classification: Uncertain significance for Early-infantile DEE. Last evaluated: 2023-01-12. Review status: criteria provided, single submitter. Criteria: Invitae Variant Classification Sherloc (09022015). Collection method: clinical testing. Allele origin: germline.
Comment: In summary, the available evidence is currently insufficient to determine the role of this variant in disease. Therefore, it has been classified as a Variant of Uncertain Significance. Advanced modeling of protein sequence and biophysical properties (such as structural, functional, and spatial information, amino acid conservation, physicochemical variation, residue mobility, and thermodynamic stability) performed at Invitae indicates that this missense variant is expected to disrupt SCN1A protein function. This variant has not been reported in the literature in individuals affected with SCN1A-related conditions. This variant is not present in population databases (gnomAD no frequency). This sequence change replaces valine, which is neutral and non-polar, with glutamic acid, which is acidic and polar, at codon 126 of the SCN1A protein (p.Val126Glu).

PreventionGenetics, part of Exact Sciences
Classification: Likely pathogenic for SCN1A-related condition. Last evaluated: 2024-06-25. Review status: no assertion criteria provided. Collection method: clinical testing. Allele origin: germline. Not counted in ClinVar's aggregate classification.
Comment: The SCN1A c.377T>A variant is predicted to result in the amino acid substitution p.Val126Glu. To our knowledge, this variant has not been reported in the literature or in a large population database, indicating it is rare. A different missense variant at the same position was detected in an individual diagnosed with Dravet syndrome (Till et al. 2020. PubMed ID: 31765958), and neighboring variants have also been reported in multiple individuals with SCN1A-related phenotypes (see for example, Leu125Trp, Brunklaus et al. 2022. PubMed ID: 35074891; p.His127Tyr, Djémié. 2016. PubMed ID: 27465585). The c.377T>A (p.Val126Glu) variant is interpreted as likely pathogenic.